The following is an entry in ClinVar:

NM_001386393.1(PANK2):c.1111C>T (p.Arg371Ter)

Gene: PANK2 (pantothenate kinase 2; plus strand). Cytogenetic location: 20p13.
Variant type: single nucleotide variant.
Coding change: c.1111C>T on transcript NM_001386393.1 (MANE Select); coding-DNA position 1111, C replaced by T.
Protein change: p.Arg371Ter; replaces arginine 371 with a stop codon.
Molecular consequence: nonsense. On other transcripts: non-coding transcript variant (1).
Genome position (GRCh38, 1-based): chr20:3,916,955, C>T. VCF-style: chr20-3916955-C-T. GRCh37 (hg19) VCF-style: chr20-3897602-C-T.
Other names: R371*; c.568C>T, p.Arg190Ter (NM_001324191.2, NM_024960.6, NM_153640.4); c.133C>T, p.Arg45Ter (NM_001324193.2); c.1441C>T, p.Arg481Ter (NM_153638.4); short protein forms R190*, R481*, R45*.
Identifiers: ClinVar variation 4557 (VCV000004557.12), dbSNP rs137852968, ClinGen allele CA253216.

ClinVar aggregate classification (germline): Pathogenic. Review status: criteria provided, single submitter (1 of 4 stars). 4 submissions from 4 submitters: Pathogenic (1). 3 of the submissions do not count toward it. Last evaluated 2023-11-25.

Conditions:
Dystonic disorder. Also called: Dystonia. Identifiers: MedGen C0013421, MONDO:0003441, HP:0001332.
Pigmentary pallidal degeneration (NBIA1). Also called: PKAN NEUROAXONAL DYSTROPHY, JUVENILE-ONSET; Neuroaxonal dystrophy, late infantile; Hallervorden-Spatz disease; Neurodegeneration with brain iron accumulation 1; Pantothenate Kinase-Associated Neurodegeneration; HARP SYNDROME. Identifiers: Orphanet 157850, MedGen C0018523, MONDO:0009319, OMIM 234200.

Allele frequency attached by ClinVar (database versions not stated): gnomAD 0.00001.

Submissions (5):

Labcorp Genetics (formerly Invitae), Labcorp
Classification: Pathogenic for Pigmentary pallidal degeneration. Last evaluated: 2023-11-25. Review status: criteria provided, single submitter. Criteria: Invitae Variant Classification Sherloc (09022015). Collection method: clinical testing. Allele origin: germline.
Comment: This sequence change creates a premature translational stop signal (p.Arg481*) in the PANK2 gene. It is expected to result in an absent or disrupted protein product. Loss-of-function variants in PANK2 are known to be pathogenic (PMID: 11479594, 12510040). This variant is present in population databases (rs137852968, gnomAD 0.006%). This premature translational stop signal has been observed in individual(s) with pantothenate kinase–associated neurodegeneration (PKAN) (PMID: 12058097). This variant is also known as c.1111C>T, R371X. ClinVar contains an entry for this variant (Variation ID: 4557). For these reasons, this variant has been classified as Pathogenic.

Solve-RD Consortium
Classification: Likely pathogenic for Pigmentary pallidal degeneration. Last evaluated: 2022-06-01. Review status: no assertion criteria provided. Collection method: provider interpretation. Allele origin: inherited. Affected: yes. Not counted in ClinVar's aggregate classification.
Comment: Variant confirmed as disease-causing by referring clinical team

Variant identified during reanalysis of unsolved cases by the Solve-RD project. The Solve-RD project has received funding from the European Union’s Horizon 2020 research and innovation programme under grant agreement No 779257.

OMIM
Classification: Pathogenic for NEURODEGENERATION WITH BRAIN IRON ACCUMULATION 1. Last evaluated: 2002-06-11. Review status: no assertion criteria provided. Collection method: literature only. Allele origin: germline. Not counted in ClinVar's aggregate classification.

Dr. Peter K. Rogan Lab, Western University
No classification provided (evidence only). Condition: Thymoma. Review status: no classification provided. Collection method: in vitro. Allele origin: not applicable. Functional consequence: skipped exon. Not counted in ClinVar's aggregate classification.

NIHR Bioresource Rare Diseases, University of Cambridge
Classification: Pathogenic for Dystonic disorder. Review status: no assertion criteria provided. Collection method: research. Allele origin: unknown. Affected: yes. Observed: 1 variant allele. Not counted in ClinVar's aggregate classification.

Literature cited by the submitters: PubMed 11479594 (cited by Labcorp Genetics (formerly Invitae), Labcorp); PubMed 12510040 (cited by Labcorp Genetics (formerly Invitae), Labcorp); PubMed 12058097 (cited by Labcorp Genetics (formerly Invitae), Labcorp and OMIM); PubMed 39825153 (cited by Solve-RD Consortium); PubMed 1734303 (cited by OMIM); PubMed 32581362 (cited by NIHR Bioresource Rare Diseases, University of Cambridge).